The following is an entry in ClinVar:

ClinVar aggregate classification (germline): Uncertain significance. Review status: criteria provided, multiple submitters, no conflicts (2 of 4 stars). 2 submissions from 2 submitters: Uncertain significance (2). Last evaluated 2025-05-04.

Conditions:
Inborn genetic diseases. Identifiers: MedGen C0950123, MeSH D030342.

gnomAD v4.1: 4 of 1,613,606 alleles (0.00025%); highest among the groups gnomAD compares: Non-Finnish European, 0.00025%; no homozygotes.

Submissions (2):

Ambry Genetics
Classification: Uncertain significance for Inborn genetic diseases. Last evaluated: 2025-05-04. Review status: criteria provided, single submitter. Criteria: Ambry Variant Classification Scheme 2023. Collection method: clinical testing. Allele origin: germline.

Labcorp Genetics (formerly Invitae), Labcorp
Classification: Uncertain significance. Last evaluated: 2024-05-27. Review status: criteria provided, single submitter. Criteria: Invitae Variant Classification Sherloc (09022015). Collection method: clinical testing. Allele origin: germline.
Comment: This sequence change replaces valine, which is neutral and non-polar, with isoleucine, which is neutral and non-polar, at codon 642 of the COL4A1 protein (p.Val642Ile). This variant is not present in population databases (gnomAD no frequency). This variant has not been reported in the literature in individuals affected with COL4A1-related conditions. An algorithm developed to predict the effect of missense changes on protein structure and function (PolyPhen-2) suggests that this variant is likely to be tolerated. In summary, the available evidence is currently insufficient to determine the role of this variant in disease. Therefore, it has been classified as a Variant of Uncertain Significance.

NM_001845.6(COL4A1):c.1924G>A (p.Val642Ile)

Gene: COL4A1 (collagen type IV alpha 1 chain; minus strand). Cytogenetic location: 13q34.
Variant type: single nucleotide variant.
Coding change: c.1924G>A on transcript NM_001845.6 (MANE Select); coding-DNA position 1924, G replaced by A.
Protein change: p.Val642Ile; replaces valine 642 with isoleucine.
Molecular consequence: missense variant.
Genome position (GRCh38, 1-based): chr13:110,183,250, C>T on the plus strand (G>A on the coding strand, the complement: COL4A1 is on the minus strand). VCF-style: chr13-110183250-C-T. GRCh37 (hg19) VCF-style: chr13-110835597-C-T.
Other names: c.1924G>A (NM_001845.4); short protein forms V642I.
Identifiers: ClinVar variation 3687406 (VCV003687406.3).